The following is an entry in ClinVar:

NM_001160372.4(TRAPPC9):c.2079G>A (p.Ala693=)

Gene: TRAPPC9 (trafficking protein particle complex subunit 9; minus strand). Cytogenetic location: 8q24.3.
Variant type: single nucleotide variant.
Coding change: c.2079G>A on transcript NM_001160372.4 (MANE Select); coding-DNA position 2079, G replaced by A.
Protein change: p.Ala693=; no amino-acid change (alanine 693 retained).
Molecular consequence: synonymous variant. On other transcripts: non-coding transcript variant (1).
Genome position (GRCh38, 1-based): chr8:140,283,924, C>T on the plus strand (G>A on the coding strand, the complement: TRAPPC9 is on the minus strand). VCF-style: chr8-140283924-C-T. GRCh37 (hg19) VCF-style: chr8-141294023-C-T.
Other names: c.2052G>A, p.Ala684= (NM_001321646.2); c.2100G>A, p.Ala700= (NM_001374682.1); c.2079G>A, p.Ala693= (NM_001374683.1, NM_031466.8); c.1935G>A, p.Ala645= (NM_001374684.1).
Identifiers: ClinVar variation 737085 (VCV000737085.23), dbSNP rs200235924, ClinGen allele CA4893203.

ClinVar aggregate classification (germline): Benign/Likely benign. Review status: criteria provided, multiple submitters, no conflicts (2 of 4 stars). 2 submissions from 2 submitters: Benign (1); Likely benign (1). Last evaluated 2026-07-01.

Allele frequency attached by ClinVar (database versions not stated): gnomAD 0.00004 and 0.00005; TOPMed 0.00011; ExAC 0.00019; 1000 Genomes Project 0.00020; 1000 Genomes Project 30x 0.00031.
gnomAD v4.1: 97 of 1,614,070 alleles (0.006%); highest among the groups gnomAD compares: Admixed American, 0.095%; 1 homozygote.

Submissions (2):

CeGaT Center for Human Genetics Tuebingen
Classification: Likely benign. Last evaluated: 2026-07-01. Review status: criteria provided, single submitter. Criteria: CeGaT Center For Human Genetics Tuebingen Variant Classification Criteria Version 2. Collection method: clinical testing. Allele origin: germline. Affected: yes. Observed: 2 variant alleles.
Comment: TRAPPC9: BP4, BP7

Labcorp Genetics (formerly Invitae), Labcorp
Classification: Benign. Last evaluated: 2025-09-02. Review status: criteria provided, single submitter. Criteria: Invitae Variant Classification Sherloc (09022015). Collection method: clinical testing. Allele origin: germline.